The following is an entry in ClinVar:

NM_001364905.1(LRBA):c.8249G>A (p.Gly2750Asp)

Gene: LRBA (LPS responsive beige-like anchor protein; minus strand). Cytogenetic location: 4q31.3.
Variant type: single nucleotide variant.
Coding change: c.8249G>A on transcript NM_001364905.1 (MANE Select); coding-DNA position 8249, G replaced by A.
Protein change: p.Gly2750Asp; replaces glycine 2750 with aspartic acid.
Molecular consequence: missense variant.
Genome position (GRCh38, 1-based): chr4:150,282,517, C>T on the plus strand (G>A on the coding strand, the complement: LRBA is on the minus strand). VCF-style: chr4-150282517-C-T. GRCh37 (hg19) VCF-style: chr4-151203669-C-T.
Other names: c.8246G>A, p.Gly2749Asp (NM_001199282.3); c.8264G>A, p.Gly2755Asp (NM_001367550.1); c.8282G>A, p.Gly2761Asp (NM_006726.5); short protein forms G2749D, G2750D, G2755D, G2761D.
Identifiers: ClinVar variation 1443815 (VCV001443815.6), dbSNP rs1314729100, ClinGen allele CA358440072.

ClinVar aggregate classification (germline): Uncertain significance (1 of 4 stars; one submission).

Conditions:
Combined immunodeficiency due to LRBA deficiency. Also called: Common variable immunodeficiency 8, with autoimmunity. Identifiers: Orphanet 445018, MedGen C3553512, MONDO:0013863, OMIM 614700.

Allele frequency attached by ClinVar (database versions not stated): TOPMed below 0.00001.
gnomAD v4.1: 2 of 1,614,158 alleles (0.00012%); highest among the groups gnomAD compares: Non-Finnish European, 0.00017%; no homozygotes.

Submission:

Labcorp Genetics (formerly Invitae), Labcorp
Classification: Uncertain significance for Combined immunodeficiency due to LRBA deficiency. Last evaluated: 2022-08-31. Review status: criteria provided, single submitter. Criteria: Invitae Variant Classification Sherloc (09022015). Collection method: clinical testing. Allele origin: germline.
Comment: This sequence change replaces glycine, which is neutral and non-polar, with aspartic acid, which is acidic and polar, at codon 2761 of the LRBA protein (p.Gly2761Asp). This variant is not present in population databases (gnomAD no frequency). This variant has not been reported in the literature in individuals affected with LRBA-related conditions. ClinVar contains an entry for this variant (Variation ID: 1443815). In summary, the available evidence is currently insufficient to determine the role of this variant in disease. Therefore, it has been classified as a Variant of Uncertain Significance. Algorithms developed to predict the effect of missense changes on protein structure and function are either unavailable or do not agree on the potential impact of this missense change (SIFT: "Tolerated"; PolyPhen-2: "Possibly Damaging"; Align-GVGD: "Class C0").